The following is an entry in ClinVar:

ClinVar aggregate classification (germline): Uncertain significance (1 of 4 stars; one submission).

Allele frequency attached by ClinVar (database versions not stated): gnomAD exomes 0.00004 and 0.00006; ESP Exome Variant Server 0.00008; gnomAD 0.00008; ExAC 0.00009; TOPMed 0.00011; 1000 Genomes Project 0.00020; 1000 Genomes Project 30x 0.00031.
gnomAD v4.1: 72 of 1,613,196 alleles (0.0045%); highest among the groups gnomAD compares: African/African-American, 0.0093%; 1 homozygote.

Submission:

Labcorp Genetics (formerly Invitae), Labcorp
Classification: Uncertain significance. Last evaluated: 2025-06-29. Review status: criteria provided, single submitter. Criteria: Invitae Variant Classification Sherloc (09022015). Collection method: clinical testing. Allele origin: germline.
Comment: This sequence change replaces arginine, which is basic and polar, with histidine, which is basic and polar, at codon 356 of the LAMC3 protein (p.Arg356His). This variant is present in population databases (rs45505601, gnomAD 0.02%), including at least one homozygous and/or hemizygous individual. This variant has not been reported in the literature in individuals affected with LAMC3-related conditions. ClinVar contains an entry for this variant (Variation ID: 1419588). An algorithm developed to predict the effect of missense changes on protein structure and function (PolyPhen-2) suggests that this variant is likely to be disruptive. In summary, the available evidence is currently insufficient to determine the role of this variant in disease. Therefore, it has been classified as a Variant of Uncertain Significance.

NM_006059.4(LAMC3):c.1067G>A (p.Arg356His)

Gene: LAMC3 (laminin subunit gamma 3; plus strand). Cytogenetic location: 9q34.12.
Variant type: single nucleotide variant.
Coding change: c.1067G>A on transcript NM_006059.4 (MANE Select); coding-DNA position 1067, G replaced by A.
Protein change: p.Arg356His; replaces arginine 356 with histidine.
Molecular consequence: missense variant.
Genome position (GRCh38, 1-based): chr9:131,038,954, G>A. VCF-style: chr9-131038954-G-A. GRCh37 (hg19) VCF-style: chr9-133914341-G-A.
Other names: short protein forms R356H.
Identifiers: ClinVar variation 1419588 (VCV001419588.4), dbSNP rs45505601, ClinGen allele CA5286929.